The following is an entry in ClinVar:

NM_000540.3(RYR1):c.7927-11T>C

Gene: RYR1 (ryanodine receptor 1; plus strand). Cytogenetic location: 19q13.2.
Variant type: single nucleotide variant.
Coding change: c.7927-11T>C on transcript NM_000540.3 (MANE Select); 11 bases into the intron before coding-DNA position 7927, T replaced by C.
Molecular consequence: intron variant.
Genome position (GRCh38, 1-based): chr19:38,504,209, T>C. VCF-style: chr19-38504209-T-C. GRCh37 (hg19) VCF-style: chr19-38994849-T-C.
Other names: c.7927-11T>C (NM_001042723.2).
Identifiers: ClinVar variation 3385460 (VCV003385460.3).

ClinVar aggregate classification (germline): Likely benign. Review status: criteria provided, multiple submitters, no conflicts (2 of 4 stars). 2 submissions from 2 submitters: Likely benign (2). Last evaluated 2024-09-01.

Conditions:
RYR1-related disorder. Also called: RYR1-related disorders; RYR1-related condition. Identifiers: MedGen CN239331.
Malignant hyperthermia, susceptibility to, 1 (MHS1). Also called: Anesthesia related hyperthermia; Malignant hyperpyrexia; Fulminating hyperpyrexia; Pharmacogenic myopathy; Malignant hyperthermia suceptibility 1; RYR1-Related Malignant Hyperthermia Susceptibility. Identifiers: Orphanet 423, MedGen C2930980, MONDO:0007783, OMIM 145600.

gnomAD v4.1: 1 of 1,608,888 alleles (0.000062%); highest among the groups gnomAD compares: Non-Finnish European, 0.000085%; no homozygotes.

Submissions (2):

Labcorp Genetics (formerly Invitae), Labcorp
Classification: Likely benign for RYR1-related disorder. Last evaluated: 2024-09-01. Review status: criteria provided, single submitter. Criteria: Invitae Variant Classification Sherloc (09022015). Collection method: clinical testing. Allele origin: germline.

All of Us Research Program, National Institutes of Health
Classification: Likely benign for Malignant hyperthermia, susceptibility to, 1. Last evaluated: 2024-02-22. Review status: criteria provided, single submitter. Criteria: ACMG Guidelines, 2015. Collection method: clinical testing. Allele origin: germline. Inheritance: Autosomal dominant inheritance. Observed: 1 variant allele, 1 heterozygote.
Comment: This study involves interpretation of variants in research participants for the purpose of population health screening. Participant phenotype was not available at the time of variant classification. Additional details can be found in publication PMID: 35346344, PMCID: PMC8962531